The following is an entry in ClinVar:

NM_015474.4(SAMHD1):c.308A>G (p.Tyr103Cys)

Gene: SAMHD1 (SAM and HD domain containing deoxynucleoside triphosphate triphosphohydrolase 1; minus strand). Cytogenetic location: 20q11.23.
Variant type: single nucleotide variant.
Coding change: c.308A>G on transcript NM_015474.4 (MANE Select); coding-DNA position 308, A replaced by G.
Protein change: p.Tyr103Cys; replaces tyrosine 103 with cysteine.
Molecular consequence: missense variant.
Genome position (GRCh38, 1-based): chr20:36,941,079, T>C on the plus strand (A>G on the coding strand, the complement: SAMHD1 is on the minus strand). VCF-style: chr20-36941079-T-C. GRCh37 (hg19) VCF-style: chr20-35569482-T-C.
Other names: c.308A>G, p.Tyr103Cys (NM_001363729.2, NM_001363733.2); short protein forms Y103C.
Identifiers: ClinVar variation 1715563 (VCV001715563.5), dbSNP rs2515272296, ClinGen allele CA408827499.
Genomic context (GRCh38, chr20:36,941,079, plus strand): 5'-ACAAACTCAGATCCTCTTACCTTCATTGTATCAACGTGGATTTGAACCAATCGCTGGATA[T>C]AACTAAGCAGCTTCTTCCTCTCCCCCAAGGAACTAAAATTACAATAGGATAAGCAAGTCT-3'
Protein context (NP_056289.2, residues 93-113): SLGERKKLLS[Tyr103Cys]IQRLVQIHVD

ClinVar aggregate classification (germline): Uncertain significance (1 of 4 stars; one submission).

Conditions:
Aicardi-Goutieres syndrome 5. Identifiers: Orphanet 51, MedGen C2749659, MONDO:0013059, OMIM 612952.

Submission:

Labcorp Genetics (formerly Invitae), Labcorp
Classification: Uncertain significance for Aicardi-Goutieres syndrome 5. Last evaluated: 2022-08-07. Review status: criteria provided, single submitter. Criteria: Invitae Variant Classification Sherloc (09022015). Collection method: clinical testing. Allele origin: germline.
Comment: This sequence change replaces tyrosine, which is neutral and polar, with cysteine, which is neutral and slightly polar, at codon 103 of the SAMHD1 protein (p.Tyr103Cys). In summary, the available evidence is currently insufficient to determine the role of this variant in disease. Therefore, it has been classified as a Variant of Uncertain Significance. Algorithms developed to predict the effect of missense changes on protein structure and function output the following: SIFT: "Tolerated"; PolyPhen-2: "Benign"; Align-GVGD: "Class C0". The cysteine amino acid residue is found in multiple mammalian species, which suggests that this missense change does not adversely affect protein function. This variant has not been reported in the literature in individuals affected with SAMHD1-related conditions. This variant is not present in population databases (gnomAD no frequency).